The following is an entry in ClinVar:

NM_014141.6(CNTNAP2):c.2122G>T (p.Val708Phe)

Gene: CNTNAP2 (contactin associated protein 2; plus strand). Cytogenetic location: 7q35.
Variant type: single nucleotide variant.
Coding change: c.2122G>T on transcript NM_014141.6 (MANE Select); coding-DNA position 2122, G replaced by T.
Protein change: p.Val708Phe; replaces valine 708 with phenylalanine.
Molecular consequence: missense variant.
Genome position (GRCh38, 1-based): chr7:147,903,588, G>T. VCF-style: chr7-147903588-G-T. GRCh37 (hg19) VCF-style: chr7-147600680-G-T.
Other names: short protein forms V708F.
Identifiers: ClinVar variation 359185 (VCV000359185.13), dbSNP rs763122160, ClinGen allele CA4546318.

ClinVar aggregate classification (germline): Uncertain significance. Review status: criteria provided, multiple submitters, no conflicts (2 of 4 stars). 3 submissions from 3 submitters: Uncertain significance (3). Last evaluated 2021-08-26.

Conditions:
Cortical dysplasia-focal epilepsy syndrome (PTHSL1). Also called: Pitt-Hopkins-like syndrome 1. Identifiers: Orphanet 163681, Orphanet 221150, MedGen C2750246, MONDO:0012400, OMIM 610042.

Allele frequency attached by ClinVar (database versions not stated): gnomAD exomes below 0.00001 and 0.00002; TOPMed 0.00001; ExAC 0.00002.
gnomAD v4.1: 4 of 1,614,180 alleles (0.00025%); highest among the groups gnomAD compares: Admixed American, 0.0017%; no homozygotes.

Submissions (3):

Labcorp Genetics (formerly Invitae), Labcorp
Classification: Uncertain significance for Cortical dysplasia-focal epilepsy syndrome. Last evaluated: 2021-08-26. Review status: criteria provided, single submitter. Criteria: Invitae Variant Classification Sherloc (09022015). Collection method: clinical testing. Allele origin: germline.
Comment: This sequence change replaces valine with phenylalanine at codon 708 of the CNTNAP2 protein (p.Val708Phe). The valine residue is highly conserved and there is a small physicochemical difference between valine and phenylalanine. This variant is present in population databases (rs763122160, ExAC 0.01%). This variant has not been reported in the literature in individuals affected with CNTNAP2-related conditions. ClinVar contains an entry for this variant (Variation ID: 359185). Algorithms developed to predict the effect of missense changes on protein structure and function are either unavailable or do not agree on the potential impact of this missense change (SIFT: "Deleterious"; PolyPhen-2: "Benign"; Align-GVGD: "Class C45"). In summary, the available evidence is currently insufficient to determine the role of this variant in disease. Therefore, it has been classified as a Variant of Uncertain Significance.

GeneDx
Classification: Uncertain significance. Last evaluated: 2019-04-04. Review status: criteria provided, single submitter. Criteria: GeneDx Variant Classification Process June 2021. Collection method: clinical testing. Allele origin: germline. Affected: yes.
Comment: In silico analysis, which includes protein predictors and evolutionary conservation, supports a deleterious effect; Has not been previously published as pathogenic or benign to our knowledge

Illumina Laboratory Services, Illumina
Classification: Uncertain significance for Cortical dysplasia-focal epilepsy syndrome. Last evaluated: 2018-01-13. Review status: criteria provided, single submitter. Criteria: ICSL Variant Classification Criteria 13 December 2019. Collection method: clinical testing. Allele origin: germline.